The following is an entry in ClinVar:

ClinVar aggregate classification (germline): Likely benign. Review status: criteria provided, multiple submitters, no conflicts (2 of 4 stars). 3 submissions from 3 submitters: Likely benign (3). Last evaluated 2026-02-01.

Conditions:
MAP1B-related disorder. Also called: MAP1B-related condition.

Allele frequency attached by ClinVar (database versions not stated): 1000 Genomes Project 30x 0.00016; 1000 Genomes Project 0.00020; ExAC 0.00040; gnomAD exomes 0.00044 and 0.00091; gnomAD 0.00052 and 0.00054; TOPMed 0.00055; ESP Exome Variant Server 0.00077.
gnomAD v4.1: 1,396 of 1,614,096 alleles (0.086%); highest among the groups gnomAD compares: Non-Finnish European, 0.11%; no homozygotes.

Submissions (4):

CeGaT Center for Human Genetics Tuebingen
Classification: Likely benign. Last evaluated: 2026-02-01. Review status: criteria provided, single submitter. Criteria: CeGaT Center For Human Genetics Tuebingen Variant Classification Criteria Version 2. Collection method: clinical testing. Allele origin: germline. Affected: yes. Observed: 2 variant alleles.
Comment: MAP1B: BP4, BP7, BS1

PreventionGenetics, part of Exact Sciences
Classification: Likely benign for MAP1B-related condition. Last evaluated: 2024-11-12. Review status: criteria provided, single submitter. Criteria: ACMG Guidelines, 2015. Collection method: clinical testing. Allele origin: germline.
Comment: This variant is classified as likely benign based on ACMG/AMP sequence variant interpretation guidelines (Richards et al. 2015 PMID: 25741868, with internal and published modifications).

Labcorp Genetics (formerly Invitae), Labcorp
Classification: Likely benign. Last evaluated: 2018-07-19. Review status: criteria provided, single submitter. Criteria: Invitae Variant Classification Sherloc (09022015). Collection method: clinical testing. Allele origin: germline.

Dr. Peter K. Rogan Lab, Western University
No classification provided (evidence only). Condition: Clear cell carcinoma of kidney. Review status: no classification provided. Collection method: in vitro. Allele origin: not applicable. Functional consequence: retained intron. Not counted in ClinVar's aggregate classification.

NM_005909.5(MAP1B):c.5238A>G (p.Gln1746=)

Gene: MAP1B (microtubule associated protein 1B; plus strand). Cytogenetic location: 5q13.2.
Variant type: single nucleotide variant.
Coding change: c.5238A>G on transcript NM_005909.5 (MANE Select); coding-DNA position 5238, A replaced by G.
Protein change: p.Gln1746=; no amino-acid change (glutamine 1746 retained).
Molecular consequence: synonymous variant.
Genome position (GRCh38, 1-based): chr5:72,198,593, A>G. VCF-style: chr5-72198593-A-G. GRCh37 (hg19) VCF-style: chr5-71494420-A-G.
Other names: NC_000005.9:g.71494420A>G; c.4860A>G, p.Gln1620= (NM_001324255.2).
Identifiers: ClinVar variation 747036 (VCV000747036.13), dbSNP rs150098917, ClinGen allele CA3299295.